The following is an entry in ClinVar:

NM_144498.4(OSBPL2):c.1341-6C>T

Gene: OSBPL2 (oxysterol binding protein like 2; plus strand). Cytogenetic location: 20q13.33.
Variant type: single nucleotide variant.
Coding change: c.1341-6C>T on transcript NM_144498.4 (MANE Select); 6 bases into the intron before coding-DNA position 1341, C replaced by T.
Molecular consequence: intron variant.
Genome position (GRCh38, 1-based): chr20:62,293,779, C>T. VCF-style: chr20-62293779-C-T. GRCh37 (hg19) VCF-style: chr20-60868835-C-T.
Other names: p.?; c.1065-6C>T (NM_001363878.2); c.1305-6C>T (NM_014835.5); c.941-6C>T (NM_001278649.3); c.1341-6C>T (NM_144498.3).
Identifiers: ClinVar variation 508711 (VCV000508711.13), dbSNP rs117044226, ClinGen allele CA9938810.

ClinVar aggregate classification (germline): Benign. Review status: criteria provided, multiple submitters, no conflicts (2 of 4 stars). 5 submissions from 5 submitters: Benign (4). 1 of the submissions does not count toward it. Last evaluated 2026-01-26.

Conditions:
OSBPL2-related disorder. Also called: OSBPL2-related condition.

Allele frequency attached by ClinVar (database versions not stated): 1000 Genomes Project 30x 0.00531; 1000 Genomes Project 0.00639; TOPMed 0.00963; ESP Exome Variant Server 0.01107; gnomAD exomes 0.01759 and 0.02003; gnomAD 0.01837 and 0.01956; ExAC 0.01953.
gnomAD v4.1: 28,233 of 1,612,726 alleles (1.8%); highest among the groups gnomAD compares: Non-Finnish European, 1.7%; 581 homozygotes.

Submissions (5):

Labcorp Genetics (formerly Invitae), Labcorp
Classification: Benign. Last evaluated: 2026-01-26. Review status: criteria provided, single submitter. Criteria: Invitae Variant Classification Sherloc (09022015). Collection method: clinical testing. Allele origin: germline.

Mayo Clinic Laboratories, Mayo Clinic
Classification: Benign. Last evaluated: 2022-02-11. Review status: criteria provided, single submitter. Criteria: ACMG Guidelines, 2015. Collection method: clinical testing. Allele origin: germline. Observed: 5 variant alleles.

Athena Diagnostics
Classification: Benign. Last evaluated: 2019-09-30. Review status: criteria provided, single submitter. Criteria: Athena Diagnostics Criteria. Collection method: clinical testing. Allele origin: unknown.

GeneDx
Classification: Benign. Last evaluated: 2017-12-08. Review status: criteria provided, single submitter. Criteria: GeneDx Variant Classification (06012015). Collection method: clinical testing. Allele origin: germline. Affected: yes.
Comment: This variant is considered likely benign or benign based on one or more of the following criteria: it is a conservative change, it occurs at a poorly conserved position in the protein, it is predicted to be benign by multiple in silico algorithms, and/or has population frequency not consistent with disease.

PreventionGenetics, part of Exact Sciences
Classification: Benign for OSBPL2-related condition. Last evaluated: 2019-08-01. Review status: no assertion criteria provided. Collection method: clinical testing. Allele origin: germline. Not counted in ClinVar's aggregate classification.
Comment: This variant is classified as benign based on ACMG/AMP sequence variant interpretation guidelines (Richards et al. 2015 PMID: 25741868, with internal and published modifications).